The following is an entry in ClinVar:

NM_001122955.4(BSCL2):c.199A>C (p.Asn67His)

Genes: HNRNPUL2-BSCL2 (HNRNPUL2-BSCL2 readthrough (NMD candidate); minus strand), BSCL2 (BSCL2 lipid droplet biogenesis associated, seipin; minus strand). Cytogenetic location: 11q12.3.
Variant type: single nucleotide variant.
Coding change: c.199A>C on transcript NM_001122955.4 (MANE Select); coding-DNA position 199, A replaced by C.
Protein change: p.Asn67His; replaces asparagine 67 with histidine.
Molecular consequence: missense variant. On other transcripts: non-coding transcript variant (1).
Genome position (GRCh38, 1-based): chr11:62,705,506, T>G on the plus strand (A>C on the coding strand, the complement: BSCL2 is on the minus strand). VCF-style: chr11-62705506-T-G. GRCh37 (hg19) VCF-style: chr11-62472978-T-G.
Other names: c.7A>C, p.Asn3His (NM_001130702.2, NM_032667.6); c.199A>C, p.Asn67His (NM_001386027.1, NM_001386028.1); short protein forms N3H, N67H.
Identifiers: ClinVar variation 393433 (VCV000393433.13), dbSNP rs1057524897, ClinGen allele CA16609260.
Genomic context (GRCh38, chr11:62,705,506, plus strand): 5'-GGCCTGCCAAGACTTGGCCCACCTCCTGGGCCCACAGTAAGGCAGGTACTGGAGGGTCGT[T>G]GACCATGGCCGGGAGAGCAGGGTGTCTGGCCCCAGGTTCAGGCCTTGCGTTCCTAGCTGC-3'
Protein context (NP_001116427.1, residues 57-77): ARHPALPAMV[Asn67His]DPPVPALLWA

ClinVar aggregate classification (germline): Uncertain significance. Review status: criteria provided, multiple submitters, no conflicts (2 of 4 stars). 4 submissions from 4 submitters: Uncertain significance (4). Last evaluated 2024-05-13.

Conditions:
Congenital generalized lipodystrophy type 2 (CGL2). Also called: SEIP SYNDROME; Berardinelli-Seip Congenital Lipodystrophy Type 2; BERARDINELLI SYNDROME; BRUNZELL SYNDROME, BSCL2-RELATED. Identifiers: Orphanet 528, Orphanet 696289, MedGen C1720863, MONDO:0010020, OMIM 269700.
Neuronopathy, distal hereditary motor, type 5C. Also called: DHMN VC; NEURONOPATHY, DISTAL HEREDITARY MOTOR, HARDING TYPE VC; NEUROPATHY, DISTAL HEREDITARY MOTOR, HARDING TYPE VC; SPINAL MUSCULAR ATROPHY, DISTAL, HARDING TYPE VC; NEURONOPATHY, DISTAL HEREDITARY MOTOR, AUTOSOMAL DOMINANT 13. Identifiers: MedGen C5436838, MONDO:0030860, OMIM 619112.
Hereditary spastic paraplegia 17. Also called: Spastic Paraplegia 17; Autosomal dominant spastic paraplegia type 17; Silver Syndrome; Silver spastic paraplegia syndrome; SPASTIC PARAPLEGIA WITH AMYOTROPHY OF HANDS AND FEET. Identifiers: Orphanet 100998, MedGen C2931276, MONDO:0010043, OMIM 270685.
Severe neurodegenerative syndrome with lipodystrophy. Also called: Encephalopathy, progressive, with or without lipodystrophy; ENCEPHALOPATHY, PROGRESSIVE, WITH LIPODYSTROPHY. Identifiers: Orphanet 363400, MedGen C4014700, MONDO:0014402, OMIM 615924.
Monogenic diabetes. Identifiers: Orphanet 183625, MedGen C3888631, MONDO:0015967.
Charcot-Marie-Tooth disease type 2. Also called: Charcot-Marie-Tooth type 2. Identifiers: Orphanet 64746, MedGen C0270914, MONDO:0018993.

Allele frequency attached by ClinVar (database versions not stated): gnomAD 0.00001 and 0.00002; TOPMed 0.00002.
gnomAD v4.1: 2 of 1,613,958 alleles (0.00012%); highest among the groups gnomAD compares: African/African-American, 0.0027%; no homozygotes.

Submissions (4):

Fulgent Genetics
Classification: Uncertain significance for Congenital generalized lipodystrophy type 2; Hereditary spastic paraplegia 17; Severe neurodegenerative syndrome with lipodystrophy; Neuronopathy, distal hereditary motor, type 5C. Last evaluated: 2024-05-13. Review status: criteria provided, single submitter. Criteria: ACMG Guidelines, 2015. Collection method: clinical testing. Allele origin: germline.

Labcorp Genetics (formerly Invitae), Labcorp
Classification: Uncertain significance for Charcot-Marie-Tooth disease type 2. Last evaluated: 2024-02-24. Review status: criteria provided, single submitter. Criteria: Invitae Variant Classification Sherloc (09022015). Collection method: clinical testing. Allele origin: germline.
Comment: This sequence change replaces asparagine, which is neutral and polar, with histidine, which is basic and polar, at codon 3 of the BSCL2 protein (p.Asn3His). This variant is not present in population databases (gnomAD no frequency). This variant has not been reported in the literature in individuals affected with BSCL2-related conditions. ClinVar contains an entry for this variant (Variation ID: 393433). An algorithm developed to predict the effect of missense changes on protein structure and function (PolyPhen-2) suggests that this variant is likely to be tolerated. In summary, the available evidence is currently insufficient to determine the role of this variant in disease. Therefore, it has been classified as a Variant of Uncertain Significance.

Personalized Diabetes Medicine Program, University of Maryland School of Medicine
Classification: Uncertain significance for Monogenic diabetes. Last evaluated: 2015-12-22. Review status: criteria provided, single submitter. Criteria: ACMG Guidelines, 2015. Collection method: research. Allele origin: unknown. Observed: 1 variant allele, 1 heterozygote.
Comment: ACMG Criteria: PM2, PP3, BP4

Clinical Genomics, Uppaluri K&H Personalized Medicine Clinic
Classification: Uncertain significance for Congenital generalized lipodystrophy type 2. Review status: criteria provided, single submitter. Criteria: K And H Uppaluri Personalized Medicine Clinic Variant Classification And Assertion Criteria Updated V 2. Collection method: research. Allele origin: unknown. Inheritance: Autosomal recessive inheritance.
Comment: Potent mutations in BSCL2 gene are associated with Congenital generalized lipodystrophy, type 2, which can present with insulin resistance, fatty liver and diabetes.However, the role of this particular variant rs1057524897 of Congenital Generalized Lipodystrophy type 2 remains uncertain

Literature cited by the submitters: PubMed 35351089 (cited by Clinical Genomics, Uppaluri K&H Personalized Medicine Clinic); PubMed 18690553 (cited by Clinical Genomics, Uppaluri K&H Personalized Medicine Clinic); PubMed 31824185 (cited by Clinical Genomics, Uppaluri K&H Personalized Medicine Clinic).